The following is an entry in ClinVar:

NM_024426.6(WT1):c.1154G>A (p.Arg385Gln)

Gene: WT1 (WT1 transcription factor; minus strand). Cytogenetic location: 11p13.
Variant type: single nucleotide variant.
Coding change: c.1154G>A on transcript NM_024426.6 (MANE Select); coding-DNA position 1154, G replaced by A.
Protein change: p.Arg385Gln; replaces arginine 385 with glutamine.
Molecular consequence: missense variant. On other transcripts: 5 prime UTR variant (1), non-coding transcript variant (1).
Genome position (GRCh38, 1-based): chr11:32,396,367, C>T on the plus strand (G>A on the coding strand, the complement: WT1 is on the minus strand). VCF-style: chr11-32396367-C-T. GRCh37 (hg19) VCF-style: chr11-32417913-C-T.
Other names: c.503G>A, p.Arg168Gln (NM_001198551.2); c.452G>A, p.Arg151Gln (NM_001198552.2); c.-35G>A (NM_001367854.1); c.1148G>A, p.Arg383Gln (NM_001407044.1); c.1103G>A, p.Arg368Gln (NM_001407045.1, NM_001407048.1, NM_001407049.1 and 1 more transcripts); c.1154G>A, p.Arg385Gln (NM_001407046.1, NM_024424.5); c.1031G>A, p.Arg344Gln (NM_001407047.1); c.980G>A, p.Arg327Gln (NM_001407050.1); and 2 more; short protein forms R168Q, R385Q, R368Q, R151Q, R344Q, R363Q, R383Q, R131Q.
Identifiers: ClinVar variation 135455 (VCV000135455.21), dbSNP rs147241955, ClinGen allele CA016505.

ClinVar aggregate classification (germline): Conflicting classifications of pathogenicity. Review status: criteria provided, conflicting classifications (1 of 4 stars). 11 submissions from 9 submitters: Uncertain significance (5); Benign (2); Likely benign (3). 1 of the submissions does not count toward it. Last evaluated 2026-10-01.

Conditions:
Frasier syndrome. Identifiers: Orphanet 347, MedGen C0950122, MeSH D052159, MONDO:0007635, OMIM 136680.
Drash syndrome (DDS). Also called: NEPHROPATHY, WILMS TUMOR, AND GENITAL ANOMALIES; WILMS TUMOR AND PSEUDO- OR TRUE HERMAPHRODITISM. Identifiers: Orphanet 220, MedGen C0950121, MONDO:0008682, OMIM 194080.
Wilms tumor 1 (WT1). Also called: Wilms tumor, somatic. Identifiers: Orphanet 654, MedGen CN033288, MONDO:0008679, OMIM 194070.
11p partial monosomy syndrome (WAGR). Also called: WAGR Spectrum Disorder; CHROMOSOME 11p13 DELETION SYNDROME; WAGR Complex; WAGR syndrome. Identifiers: Orphanet 893, MedGen C0206115, MONDO:0008681, OMIM 194072.
Inborn genetic diseases. Identifiers: MedGen C0950123, MeSH D030342.
Nephrotic syndrome, type 4 (NPHS4). Also called: Familial mesangial sclerosis; Nephrotic syndrome, early onset with diffuse mesangial sclerosis. Identifiers: Orphanet 656, MedGen C3151568, MONDO:0009733, OMIM 256370.
Mesothelioma, malignant (MESOM). Also called: Malignant mesothelioma (disease). Identifiers: Orphanet 50251, MedGen C0345967, MONDO:0006292, OMIM 156240, HP:0100001.
Meacham syndrome. Also called: Meacham Winn Culler syndrome. Identifiers: Orphanet 3097, MedGen C1837026, MONDO:0012164, OMIM 608978.

Allele frequency attached by ClinVar (database versions not stated): ExAC 0.00005; gnomAD exomes 0.00005 and 0.00003; 1000 Genomes Project 30x 0.00047; 1000 Genomes Project 0.00060; TOPMed 0.00002; gnomAD 0.00004.
gnomAD v4.1: 74 of 1,614,080 alleles (0.0046%); highest among the groups gnomAD compares: East Asian, 0.13%; no homozygotes.

Submissions (11):

St. Jude Molecular Pathology, St. Jude Children's Research Hospital
Classification: Uncertain significance for Wilms tumor 1. Last evaluated: 2026-10-01. Review status: criteria provided, single submitter. Criteria: St. Jude Assertion Criteria 2020. Collection method: clinical testing. Allele origin: germline.
Comment: The WT1 c.1103G>A p.(Arg368Gln) missense change has a maximum subpopulation frequency of 0.03% in gnomAD v2.1.1. The in silico tool REVEL is inconclusive about a pathogenic or benign effect of this variant on protein function, and to our knowledge functional studies have not be en performed. This variant has been reported in an individual with nephrotic syndrome (PMID:10603123). In summary, the evidence currently available is insufficient to determine the clinical significance of this variant. It has therefore been classified a s of uncertain significance (VUS-Low).

Labcorp Genetics (formerly Invitae), Labcorp
Classification: Benign for Wilms tumor 1; Drash syndrome; 11p partial monosomy syndrome; Frasier syndrome. Last evaluated: 2025-06-16. Review status: criteria provided, single submitter. Criteria: Invitae Variant Classification Sherloc (09022015). Collection method: clinical testing. Allele origin: germline.

Ambry Genetics
Classification: Likely benign for Inborn genetic diseases. Last evaluated: 2024-09-11. Review status: criteria provided, single submitter. Criteria: Ambry Variant Classification Scheme 2023. Collection method: clinical testing. Allele origin: germline.

Color Diagnostics, LLC DBA Color Health
Classification: Uncertain significance for Wilms tumor 1. Last evaluated: 2024-04-25. Review status: criteria provided, single submitter. Criteria: ACMG Guidelines, 2015. Collection method: clinical testing. Allele origin: germline.
Comment: This missense variant replaces arginine with glutamine at codon 380 of the WT1 protein. Computational prediction is inconclusive regarding the impact of this variant on protein structure and function. To our knowledge, functional studies have not been reported for this variant. This variant has been observed in an individual with renal insufficiency and nephrotic syndrome where isolated diffuse mesangial sclerosis is suspected (PMID: 10603123). This variant was also observed in an individual affected with diffuse mesangial sclerosis and two unaffected relativesthe affected individual also carried a pathogenic variant in the WT1 gene that could explain the observed phenotype (PMID: 31090167). This variant has been identified in 7/251392 chromosomes in the general population by the Genome Aggregation Database (gnomAD). The available evidence is insufficient to determine the role of this variant in disease conclusively. Therefore, this variant is classified as a Variant of Uncertain Significance.

Fulgent Genetics
Classification: Uncertain significance for Frasier syndrome; Mesothelioma, malignant; Wilms tumor 1; Drash syndrome; Nephrotic syndrome, type 4; Meacham syndrome. Last evaluated: 2024-01-15. Review status: criteria provided, single submitter. Criteria: ACMG Guidelines, 2015. Collection method: clinical testing. Allele origin: germline.

Baylor Genetics
Classification: Uncertain significance for Drash syndrome. Last evaluated: 2023-05-05. Review status: criteria provided, single submitter. Criteria: ACMG Guidelines, 2015. Collection method: clinical testing. Allele origin: unknown.

Illumina Laboratory Services, Illumina
Classification: Benign for Meacham syndrome. Last evaluated: 2017-04-27. Review status: criteria provided, single submitter. Criteria: ICSL Variant Classification Criteria 13 December 2019. Collection method: clinical testing. Allele origin: germline.
Comment: This variant was observed as part of a predisposition screen in an ostensibly healthy population. A literature search was performed for the gene, cDNA change, and amino acid change (where applicable). Publications were found based on this search. The evidence from the literature, in combination with allele frequency data from public databases where available, was sufficient to rule this variant out of causing disease. Therefore, this variant is classified as benign.

Illumina Laboratory Services, Illumina
Classification: Likely benign for Nephrotic syndrome, type 4. Last evaluated: 2017-04-27. Review status: criteria provided, single submitter. Criteria: ICSL Variant Classification Criteria 13 December 2019. Collection method: clinical testing. Allele origin: germline.
Comment: This variant was observed as part of a predisposition screen in an ostensibly healthy population. A literature search was performed for the gene, cDNA change, and amino acid change (where applicable). Publications were found based on this search. The evidence from the literature, in combination with allele frequency data from public databases where available, was sufficient to determine this variant is unlikely to cause disease. Therefore, this variant is classified as likely benign.

Illumina Laboratory Services, Illumina
Classification: Likely benign for Wilms tumor 1. Last evaluated: 2017-04-27. Review status: criteria provided, single submitter. Criteria: ICSL Variant Classification Criteria 13 December 2019. Collection method: clinical testing. Allele origin: germline.
Comment: the same text as in the submission from Illumina Laboratory Services, Illumina above.

Laboratory for Molecular Medicine, Mass General Brigham Personalized Medicine
Classification: Uncertain significance. Last evaluated: 2016-03-31. Review status: criteria provided, single submitter. Criteria: LMM Criteria. Collection method: clinical testing. Allele origin: germline.
Comment: Variant identified in a genome or exome case(s) and assessed due to predicted null impact of the variant or pathogenic assertions in the literature or databases. Disclaimer: This variant has not undergone full assessment. ExAC: 5/8646 East Asian

ITMI
No classification provided. Condition: AllHighlyPenetrant. Last evaluated: 2013-09-19. Review status: no classification provided. Collection method: reference population. Allele origin: germline. Not counted in ClinVar's aggregate classification.
Comment: Please see associated publication for description of ethnicities

Literature cited by the submitters: PubMed 10603123 (cited by 3 submitters); PubMed 35655039 (cited by Ambry Genetics); PubMed 31090167 (cited by Color Diagnostics, LLC DBA Color Health); PubMed 24728327 (cited by Illumina Laboratory Services, Illumina and ITMI).